The following is an entry in ClinVar:

NM_001166108.2(PALLD):c.409C>G (p.Leu137Val)

Gene: PALLD (palladin, cytoskeletal associated protein; plus strand). Cytogenetic location: 4q32.3.
Variant type: single nucleotide variant.
Coding change: c.409C>G on transcript NM_001166108.2 (MANE Select); coding-DNA position 409, C replaced by G.
Protein change: p.Leu137Val; replaces leucine 137 with valine.
Molecular consequence: missense variant.
Genome position (GRCh38, 1-based): chr4:168,511,913, C>G. VCF-style: chr4-168511913-C-G. GRCh37 (hg19) VCF-style: chr4-169433064-C-G.
Other names: c.409C>G, p.Leu137Val (NM_016081.4); short protein forms L137V.
Identifiers: ClinVar variation 1737804 (VCV001737804.2), dbSNP rs2531432029, ClinGen allele CA358725893.

ClinVar aggregate classification (germline): Uncertain significance (1 of 4 stars; one submission).

Submission:

Ambry Genetics
Classification: Uncertain significance. Last evaluated: 2022-03-25. Review status: criteria provided, single submitter. Criteria: Ambry Variant Classification Scheme 2023. Collection method: clinical testing. Allele origin: germline.
Comment: The p.L137V variant (also known as c.409C>G), located in coding exon 1 of the PALLD gene, results from a C to G substitution at nucleotide position 409. The leucine at codon 137 is replaced by valine, an amino acid with highly similar properties. This amino acid position is conserved. In addition, this alteration is predicted to be tolerated by in silico analysis. Since supporting evidence is limited at this time, the clinical significance of this alteration remains unclear.